The following is an entry in ClinVar:

ClinVar aggregate classification (germline): Conflicting classifications of pathogenicity. Review status: criteria provided, conflicting classifications (1 of 4 stars). 3 submissions from 3 submitters: Uncertain significance (1); Likely benign (1). 1 of the submissions does not count toward it. Last evaluated 2025-09-10.

Conditions:
NR1H4-related disorder. Also called: NR1H4-related condition.

Allele frequency attached by ClinVar (database versions not stated): TOPMed 0.00003; gnomAD 0.00005; ESP Exome Variant Server 0.00008.
gnomAD v4.1: 38 of 1,614,130 alleles (0.0024%); highest among the groups gnomAD compares: Middle Eastern, 0.033%; no homozygotes.

Submissions (3):

Labcorp Genetics (formerly Invitae), Labcorp
Classification: Likely benign. Last evaluated: 2025-09-10. Review status: criteria provided, single submitter. Criteria: Invitae Variant Classification Sherloc (09022015). Collection method: clinical testing. Allele origin: germline.

Eurofins Ntd Llc (ga)
Classification: Uncertain significance. Last evaluated: 2017-07-11. Review status: criteria provided, single submitter. Criteria: EGL Classification Definitions 2015. Collection method: clinical testing. Allele origin: germline. Observed: 1 variant allele, 1 heterozygote.

PreventionGenetics, part of Exact Sciences
Classification: Likely benign for NR1H4-related condition. Last evaluated: 2023-12-05. Review status: no assertion criteria provided. Collection method: clinical testing. Allele origin: germline. Not counted in ClinVar's aggregate classification.
Comment: This variant is classified as likely benign based on ACMG/AMP sequence variant interpretation guidelines (Richards et al. 2015 PMID: 25741868, with internal and published modifications).

NM_001206979.2(NR1H4):c.345C>T (p.Gly115=)

Gene: NR1H4 (nuclear receptor subfamily 1 group H member 4; plus strand). Cytogenetic location: 12q23.1.
Variant type: single nucleotide variant.
Coding change: c.345C>T on transcript NM_001206979.2 (MANE Select); coding-DNA position 345, C replaced by T.
Protein change: p.Gly115=; no amino-acid change (glycine 115 retained).
Molecular consequence: synonymous variant. On other transcripts: non-coding transcript variant (1).
Genome position (GRCh38, 1-based): chr12:100,511,043, C>T. VCF-style: chr12-100511043-C-T. GRCh37 (hg19) VCF-style: chr12-100904821-C-T.
Other names: c.345C>T (NM_005123.3); c.345C>T, p.Gly115= (NM_001206977.2, NM_001206978.2, NM_005123.4); c.375C>T, p.Gly125= (NM_001206992.2, NM_001206993.2).
Identifiers: ClinVar variation 593211 (VCV000593211.8), dbSNP rs372358310, ClinGen allele CA6739220.